The following is an entry in ClinVar:

NM_001206999.2(CIT):c.3165G>C (p.Glu1055Asp)

Gene: CIT (citron rho-interacting serine/threonine kinase; minus strand). Cytogenetic location: 12q24.23.
Variant type: single nucleotide variant.
Coding change: c.3165G>C on transcript NM_001206999.2 (MANE Select); coding-DNA position 3165, G replaced by C.
Protein change: p.Glu1055Asp; replaces glutamic acid 1055 with aspartic acid.
Molecular consequence: missense variant.
Genome position (GRCh38, 1-based): chr12:119,734,349, C>G on the plus strand (G>C on the coding strand, the complement: CIT is on the minus strand). VCF-style: chr12-119734349-C-G. GRCh37 (hg19) VCF-style: chr12-120172154-C-G.
Other names: c.3039G>C, p.Glu1013Asp (NM_007174.3); c.3165G>C (NM_001206999.1); short protein forms E1055D, E1013D.
Identifiers: ClinVar variation 2064574 (VCV002064574.11), dbSNP rs147388782, ClinGen allele CA6821575.

ClinVar aggregate classification (germline): Conflicting classifications of pathogenicity. Review status: criteria provided, conflicting classifications (1 of 4 stars). 3 submissions from 3 submitters: Uncertain significance (2); Likely benign (1). Last evaluated 2025-11-01.

Allele frequency attached by ClinVar (database versions not stated): ESP Exome Variant Server 0.00008; 1000 Genomes Project 30x 0.00031; 1000 Genomes Project 0.00040.
gnomAD v4.1: 125 of 1,612,964 alleles (0.0077%); highest among the groups gnomAD compares: Admixed American, 0.098%; no homozygotes.

Submissions (3):

CeGaT Center for Human Genetics Tuebingen
Classification: Uncertain significance. Last evaluated: 2025-11-01. Review status: criteria provided, single submitter. Criteria: CeGaT Center For Human Genetics Tuebingen Variant Classification Criteria Version 2. Collection method: clinical testing. Allele origin: germline. Affected: yes. Observed: 1 variant allele.
Comment: CIT: PM2

Labcorp Genetics (formerly Invitae), Labcorp
Classification: Likely benign. Last evaluated: 2023-10-23. Review status: criteria provided, single submitter. Criteria: Invitae Variant Classification Sherloc (09022015). Collection method: clinical testing. Allele origin: germline.

GeneDx
Classification: Uncertain significance. Last evaluated: 2023-05-18. Review status: criteria provided, single submitter. Criteria: GeneDx Variant Classification Process June 2021. Collection method: clinical testing. Allele origin: germline. Affected: yes.
Comment: In silico analysis supports that this missense variant does not alter protein structure/function; Has not been previously published as pathogenic or benign to our knowledge